The following is an entry in ClinVar:

ClinVar aggregate classification (germline): Uncertain significance. Review status: criteria provided, multiple submitters, no conflicts (2 of 4 stars). 2 submissions from 2 submitters: Uncertain significance (2). Last evaluated 2025-02-20.

Allele frequency attached by ClinVar (database versions not stated): gnomAD exomes below 0.00001; ExAC 0.00003; gnomAD 0.00001; TOPMed 0.00001.
gnomAD v4.1: 8 of 1,613,930 alleles (0.0005%); highest among the groups gnomAD compares: Admixed American, 0.0017%; no homozygotes.

Submissions (2):

Labcorp Genetics (formerly Invitae), Labcorp
Classification: Uncertain significance. Last evaluated: 2025-02-20. Review status: criteria provided, single submitter. Criteria: Invitae Variant Classification Sherloc (09022015). Collection method: clinical testing. Allele origin: germline.
Comment: This sequence change replaces serine, which is neutral and polar, with leucine, which is neutral and non-polar, at codon 370 of the SYNPO protein (p.Ser370Leu). This variant is present in population databases (rs771829726, gnomAD 0.003%). This variant has not been reported in the literature in individuals affected with SYNPO-related conditions. ClinVar contains an entry for this variant (Variation ID: 1977720). An algorithm developed to predict the effect of missense changes on protein structure and function (PolyPhen-2) suggests that this variant is likely to be disruptive. In summary, the available evidence is currently insufficient to determine the role of this variant in disease. Therefore, it has been classified as a Variant of Uncertain Significance.

Ambry Genetics
Classification: Uncertain significance. Last evaluated: 2022-09-30. Review status: criteria provided, single submitter. Criteria: Ambry Variant Classification Scheme 2023. Collection method: clinical testing. Allele origin: germline.

NM_007286.6(SYNPO):c.1109C>T (p.Ser370Leu)

Gene: SYNPO (synaptopodin; plus strand). Cytogenetic location: 5q33.1.
Variant type: single nucleotide variant.
Coding change: c.1109C>T on transcript NM_007286.6 (MANE Select); coding-DNA position 1109, C replaced by T.
Protein change: p.Ser370Leu; replaces serine 370 with leucine.
Molecular consequence: missense variant.
Genome position (GRCh38, 1-based): chr5:150,649,384, C>T. VCF-style: chr5-150649384-C-T. GRCh37 (hg19) VCF-style: chr5-150028946-C-T.
Other names: c.1109C>T, p.Ser370Leu (NM_001109974.3); c.1841C>T, p.Ser614Leu (NM_001166208.2, NM_001166209.2); short protein forms S614L, S370L.
Identifiers: ClinVar variation 1977720 (VCV001977720.6), dbSNP rs771829726, ClinGen allele CA3513348.